The following is an entry in ClinVar:

ClinVar aggregate classification (germline): Uncertain significance (1 of 4 stars; one submission).

Conditions:
CHARGE syndrome (CHARGE). Also called: Hittner Hirsch Kreh syndrome; CHARGE ASSOCIATION--COLOBOMA, HEART ANOMALY, CHOANAL ATRESIA, RETARDATION, GENITAL AND EAR ANOMALIES; Coloboma, heart anomaly, choanal atresia, retardation, genital and ear anomalies; CHARGE association; Hall-Hittner syndrome. Identifiers: Orphanet 138, MedGen C0265354, MONDO:0008965.

Submission:

Labcorp Genetics (formerly Invitae), Labcorp
Classification: Uncertain significance for CHARGE syndrome. Last evaluated: 2024-10-24. Review status: criteria provided, single submitter. Criteria: Invitae Variant Classification Sherloc (09022015). Collection method: clinical testing. Allele origin: germline.
Comment: This sequence change replaces valine, which is neutral and non-polar, with phenylalanine, which is neutral and non-polar, at codon 573 of the CHD7 protein (p.Val573Phe). This variant is not present in population databases (gnomAD no frequency). This variant has not been reported in the literature in individuals affected with CHD7-related conditions. ClinVar contains an entry for this variant (Variation ID: 2181682). Invitae Evidence Modeling of protein sequence and biophysical properties (such as structural, functional, and spatial information, amino acid conservation, physicochemical variation, residue mobility, and thermodynamic stability) indicates that this missense variant is not expected to disrupt CHD7 protein function with a negative predictive value of 95%. In summary, the available evidence is currently insufficient to determine the role of this variant in disease. Therefore, it has been classified as a Variant of Uncertain Significance.

NM_017780.4(CHD7):c.1717G>T (p.Val573Phe)

Genes: CHD7 (chromodomain helicase DNA binding protein 7; plus strand), LOC126860403 (CDK7 strongly-dependent group 2 enhancer GRCh37_chr8:61693034-61694233; plus strand). Cytogenetic location: 8q12.2.
Variant type: single nucleotide variant.
Coding change: c.1717G>T on transcript NM_017780.4 (MANE Select); coding-DNA position 1717, G replaced by T.
Protein change: p.Val573Phe; replaces valine 573 with phenylalanine.
Molecular consequence: missense variant. On other transcripts: splice donor variant (1).
Genome position (GRCh38, 1-based): chr8:60,781,051, G>T. VCF-style: chr8-60781051-G-T. GRCh37 (hg19) VCF-style: chr8-61693610-G-T.
Other names: c.1716+1G>T (NM_001316690.1); short protein forms V573F.
Identifiers: ClinVar variation 2181682 (VCV002181682.4), dbSNP rs1811196678, ClinGen allele CA371311530.